The following is an entry in ClinVar:

ClinVar aggregate classification (germline): Uncertain significance (1 of 4 stars; one submission).

Conditions:
Inflammatory bowel disease 28. Also called: Inflammatory bowel disease 28, early onset, autosomal recessive. Identifiers: Orphanet 238569, MedGen C2751053, MONDO:0013153, OMIM 613148.

Allele frequency attached by ClinVar (database versions not stated): ExAC 0.00001; gnomAD 0.00002; TOPMed 0.00004; 1000 Genomes Project 0.00020; 1000 Genomes Project 30x 0.00031.
gnomAD v4.1: 23 of 1,613,908 alleles (0.0014%); highest among the groups gnomAD compares: Middle Eastern, 0.016%; no homozygotes.

Submission:

Labcorp Genetics (formerly Invitae), Labcorp
Classification: Uncertain significance for Inflammatory bowel disease 28. Last evaluated: 2022-08-19. Review status: criteria provided, single submitter. Criteria: Invitae Variant Classification Sherloc (09022015). Collection method: clinical testing. Allele origin: germline.
Comment: This sequence change replaces arginine, which is basic and polar, with glutamine, which is neutral and polar, at codon 261 of the IL10RA protein (p.Arg261Gln). This variant is present in population databases (rs553864757, gnomAD 0.007%). This variant has not been reported in the literature in individuals affected with IL10RA-related conditions. Algorithms developed to predict the effect of missense changes on protein structure and function output the following: SIFT: "Tolerated"; PolyPhen-2: "Benign"; Align-GVGD: "Class C0". The glutamine amino acid residue is found in multiple mammalian species, which suggests that this missense change does not adversely affect protein function. In summary, the available evidence is currently insufficient to determine the role of this variant in disease. Therefore, it has been classified as a Variant of Uncertain Significance.

NM_001558.4(IL10RA):c.782G>A (p.Arg261Gln)

Gene: IL10RA (interleukin 10 receptor subunit alpha; plus strand). Cytogenetic location: 11q23.3.
Variant type: single nucleotide variant.
Coding change: c.782G>A on transcript NM_001558.4 (MANE Select); coding-DNA position 782, G replaced by A.
Protein change: p.Arg261Gln; replaces arginine 261 with glutamine.
Molecular consequence: missense variant. On other transcripts: non-coding transcript variant (1).
Genome position (GRCh38, 1-based): chr11:117,995,682, G>A. VCF-style: chr11-117995682-G-A. GRCh37 (hg19) VCF-style: chr11-117866397-G-A.
Other names: short protein forms R261Q.
Identifiers: ClinVar variation 2199415 (VCV002199415.1), dbSNP rs553864757, ClinGen allele CA6299046.
Genomic context (GRCh38, chr11:117,995,682, plus strand): 5'-CCTTTGTCCTGCTGCTCTCCGGAGCCCTCGCCTACTGCCTGGCCCTCCAGCTGTATGTGC[G>A]GCGCCGAAAGAAGCTACCCAGTGTCCTGGTGAGTCTTGCAAGGAGGTCACTGCCCCGTCC-3'
Protein context (NP_001549.2, residues 251-271): AYCLALQLYV[Arg261Gln]RRKKLPSVLL